The following is an entry in ClinVar:

NM_001355436.2(SPTB):c.2333C>T (p.Thr778Met)

Gene: SPTB (spectrin beta, erythrocytic; minus strand). Cytogenetic location: 14q23.3.
Variant type: single nucleotide variant.
Coding change: c.2333C>T on transcript NM_001355436.2 (MANE Select); coding-DNA position 2333, C replaced by T.
Protein change: p.Thr778Met; replaces threonine 778 with methionine.
Molecular consequence: missense variant.
Genome position (GRCh38, 1-based): chr14:64,793,330, G>A on the plus strand (C>T on the coding strand, the complement: SPTB is on the minus strand). VCF-style: chr14-64793330-G-A. GRCh37 (hg19) VCF-style: chr14-65260048-G-A.
Other names: c.2333C>T, p.Thr778Met (NM_001024858.4, NM_001355437.2); short protein forms T778M.
Identifiers: ClinVar variation 3058203 (VCV003058203.2), dbSNP rs371595430, ClinGen allele CA7230893.

ClinVar aggregate classification (germline): Uncertain significance (0 of 4 stars; one submission).

Conditions:
SPTB-related disorder. Also called: SPTB-related condition; SPTB-Related Disorders.

gnomAD v4.1: 105 of 1,609,740 alleles (0.0065%); highest among the groups gnomAD compares: South Asian, 0.11%; 2 homozygotes.

Submission:

PreventionGenetics, part of Exact Sciences
Classification: Uncertain significance for SPTB-related condition. Last evaluated: 2024-01-04. Review status: no assertion criteria provided. Collection method: clinical testing. Allele origin: germline.
Comment: The SPTB c.2333C>T variant is predicted to result in the amino acid substitution p.Thr778Met. To our knowledge, this variant has not been reported in the literature. This variant is reported in 0.098% of alleles in individuals of South Asian descent in gnomAD, which may be too common to be a primary cause of disease. Although we suspect that this variant may be benign, at this time, the clinical significance of this variant is uncertain due to the absence of conclusive functional and genetic evidence.